The following is an entry in ClinVar:

ClinVar aggregate classification (germline): Uncertain significance. Review status: criteria provided, multiple submitters, no conflicts (2 of 4 stars). 2 submissions from 2 submitters: Uncertain significance (2). Last evaluated 2024-05-27.

Conditions:
Cardiovascular phenotype. Identifiers: MedGen CN230736.
Long QT syndrome (LQTS). Identifiers: MedGen C0023976, MeSH D008133, MONDO:0002442. Disease mechanism: loss of function. Inheritance: Various modes of inheritance.

Allele frequency attached by ClinVar (database versions not stated): TOPMed 0.00001.
gnomAD v4.1: 11 of 1,602,208 alleles (0.00069%); highest among the groups gnomAD compares: Non-Finnish European, 0.00094%; no homozygotes.

Submissions (2):

Ambry Genetics
Classification: Uncertain significance for Cardiovascular phenotype. Last evaluated: 2024-05-27. Review status: criteria provided, single submitter. Criteria: Ambry Variant Classification Scheme 2023. Collection method: clinical testing. Allele origin: germline.
Comment: The p.S2844Y variant (also known as c.8531C>A), located in coding exon 33 of the AKAP9 gene, results from a C to A substitution at nucleotide position 8531. The serine at codon 2844 is replaced by tyrosine, an amino acid with dissimilar properties. This amino acid position is conserved. In addition, this alteration is predicted to be tolerated by in silico analysis. Based on the available evidence, the clinical significance of this variant remains unclear.

Labcorp Genetics (formerly Invitae), Labcorp
Classification: Uncertain significance for Long QT syndrome. Last evaluated: 2024-03-15. Review status: criteria provided, single submitter. Criteria: Invitae Variant Classification Sherloc (09022015). Collection method: clinical testing. Allele origin: germline.
Comment: This sequence change replaces serine, which is neutral and polar, with tyrosine, which is neutral and polar, at codon 2844 of the AKAP9 protein (p.Ser2844Tyr). This variant is not present in population databases (gnomAD no frequency). This variant has not been reported in the literature in individuals affected with AKAP9-related conditions. ClinVar contains an entry for this variant (Variation ID: 2177882). An algorithm developed to predict the effect of missense changes on protein structure and function (PolyPhen-2) suggests that this variant is likely to be disruptive. In summary, the available evidence is currently insufficient to determine the role of this variant in disease. Therefore, it has been classified as a Variant of Uncertain Significance.

NM_005751.5(AKAP9):c.8531C>A (p.Ser2844Tyr)

Gene: AKAP9 (A-kinase anchoring protein 9; plus strand). Cytogenetic location: 7q21.2.
Variant type: single nucleotide variant.
Coding change: c.8531C>A on transcript NM_005751.5 (MANE Select); coding-DNA position 8531, C replaced by A.
Protein change: p.Ser2844Tyr; replaces serine 2844 with tyrosine.
Molecular consequence: missense variant.
Genome position (GRCh38, 1-based): chr7:92,083,540, C>A. VCF-style: chr7-92083540-C-A. GRCh37 (hg19) VCF-style: chr7-91712854-C-A.
Other names: c.3176C>A, p.Ser1059Tyr (NM_001379277.1); c.8507C>A, p.Ser2836Tyr (NM_147185.3); short protein forms S1059Y, S2836Y, S2844Y.
Identifiers: ClinVar variation 2177882 (VCV002177882.5), dbSNP rs1813970987, ClinGen allele CA368139537.